The following is an entry in ClinVar:

ClinVar aggregate classification (germline): Likely benign (1 of 4 stars; one submission).

Allele frequency attached by ClinVar (database versions not stated): gnomAD exomes 0.00001.
gnomAD v4.1: 3 of 1,614,188 alleles (0.00019%); highest among the groups gnomAD compares: East Asian, 0.0067%; no homozygotes.

Submission:

GeneDx
Classification: Likely benign. Last evaluated: 2015-11-04. Review status: criteria provided, single submitter. Criteria: GeneDx Variant Classification (06012015). Collection method: clinical testing. Allele origin: germline. Affected: yes.
Comment: This variant is considered likely benign or benign based on one or more of the following criteria: it is a conservative change, it occurs at a poorly conserved position in the protein, it is predicted to be benign by multiple in silico algorithms, and/or has population frequency not consistent with disease.

NM_005097.4(LGI1):c.1482T>C (p.Ser494=)

Gene: LGI1 (leucine rich glioma inactivated 1; plus strand). Cytogenetic location: 10q23.33.
Variant type: single nucleotide variant.
Coding change: c.1482T>C on transcript NM_005097.4 (MANE Select); coding-DNA position 1482, T replaced by C.
Protein change: p.Ser494=; no amino-acid change (serine 494 retained).
Molecular consequence: synonymous variant. On other transcripts: non-coding transcript variant (1), intron variant (1).
Genome position (GRCh38, 1-based): chr10:93,797,611, T>C. VCF-style: chr10-93797611-T-C. GRCh37 (hg19) VCF-style: chr10-95557368-T-C.
Other names: c.1338T>C, p.Ser446= (NM_001308276.2); c.839-138T>C (NM_001308275.2).
Identifiers: ClinVar variation 381352 (VCV000381352.1), dbSNP rs1057521026, ClinGen allele CA16605739.